The following is an entry in ClinVar:

NM_015087.5(SPART):c.363C>T (p.Asp121=)

Gene: SPART (spartin; minus strand). Cytogenetic location: 13q13.3.
Variant type: single nucleotide variant.
Coding change: c.363C>T on transcript NM_015087.5 (MANE Select); coding-DNA position 363, C replaced by T.
Protein change: p.Asp121=; no amino-acid change (aspartic acid 121 retained).
Molecular consequence: synonymous variant.
Genome position (GRCh38, 1-based): chr13:36,335,468, G>A on the plus strand (C>T on the coding strand, the complement: SPART is on the minus strand). VCF-style: chr13-36335468-G-A. GRCh37 (hg19) VCF-style: chr13-36909605-G-A.
Other names: c.363C>T, p.Asp121= (NM_001142294.2, NM_001142295.2, NM_001142296.2).
Identifiers: ClinVar variation 380930 (VCV000380930.45), dbSNP rs149393698, ClinGen allele CA6949651.

ClinVar aggregate classification (germline): Conflicting classifications of pathogenicity. Review status: criteria provided, conflicting classifications (1 of 4 stars). 8 submissions from 8 submitters: Uncertain significance (2); Benign (1); Likely benign (4). 1 of the submissions does not count toward it. Last evaluated 2026-01-14.

Conditions:
SPART-related disorder. Also called: SPART-related condition.
Troyer syndrome (SPG20). Identifiers: Orphanet 101000, MedGen C0393559, MONDO:0010156, OMIM 275900.
Hereditary spastic paraplegia. Also called: Familial spastic paraparesis. Identifiers: Orphanet 685, MedGen C0037773, MONDO:0019064. Disease mechanism: loss of function.

Allele frequency attached by ClinVar (database versions not stated): TOPMed 0.00058; gnomAD exomes 0.00068; ExAC 0.00070; gnomAD 0.00070 and 0.00072; ESP Exome Variant Server 0.00077; 1000 Genomes Project 30x 0.00031; 1000 Genomes Project 0.00040.
gnomAD v4.1: 1,263 of 1,614,064 alleles (0.078%); highest among the groups gnomAD compares: Non-Finnish European, 0.099%; 1 homozygote.

Submissions (8):

Labcorp Genetics (formerly Invitae), Labcorp
Classification: Likely benign. Last evaluated: 2026-01-14. Review status: criteria provided, single submitter. Criteria: Invitae Variant Classification Sherloc (09022015). Collection method: clinical testing. Allele origin: germline.

CeGaT Center for Human Genetics Tuebingen
Classification: Likely benign. Last evaluated: 2025-04-01. Review status: criteria provided, single submitter. Criteria: CeGaT Center For Human Genetics Tuebingen Variant Classification Criteria Version 2. Collection method: clinical testing. Allele origin: germline. Affected: yes. Observed: 3 variant alleles.
Comment: SPART: BP4, BP7

Blueprint Genetics
Classification: Likely benign. Last evaluated: 2024-11-25. Review status: criteria provided, single submitter. Criteria: ACMG Guidelines, 2015. Collection method: clinical testing. Allele origin: germline.

Athena Diagnostics
Classification: Benign. Last evaluated: 2019-10-17. Review status: criteria provided, single submitter. Criteria: Athena Diagnostics Criteria. Collection method: clinical testing. Allele origin: unknown.

Illumina Laboratory Services, Illumina
Classification: Uncertain significance for Troyer syndrome. Last evaluated: 2018-01-13. Review status: criteria provided, single submitter. Criteria: ICSL Variant Classification Criteria 13 December 2019. Collection method: clinical testing. Allele origin: germline.

Genome Diagnostics Laboratory, The Hospital for Sick Children
Classification: Uncertain significance for Hereditary spastic paraplegia. Last evaluated: 2016-12-12. Review status: criteria provided, single submitter. Criteria: ACMG Guidelines, 2015. Collection method: clinical testing. Allele origin: germline. Affected: yes.

GeneDx
Classification: Likely benign. Last evaluated: 2016-08-26. Review status: criteria provided, single submitter. Criteria: GeneDx Variant Classification (06012015). Collection method: clinical testing. Allele origin: germline. Affected: yes.
Comment: This variant is considered likely benign or benign based on one or more of the following criteria: it is a conservative change, it occurs at a poorly conserved position in the protein, it is predicted to be benign by multiple in silico algorithms, and/or has population frequency not consistent with disease.

PreventionGenetics, part of Exact Sciences
Classification: Likely benign for SPART-related condition. Last evaluated: 2019-12-27. Review status: no assertion criteria provided. Collection method: clinical testing. Allele origin: germline. Not counted in ClinVar's aggregate classification.
Comment: This variant is classified as likely benign based on ACMG/AMP sequence variant interpretation guidelines (Richards et al. 2015 PMID: 25741868, with internal and published modifications).